The following is an entry in ClinVar:

ClinVar aggregate classification (germline): Likely pathogenic (1 of 4 stars; one submission).

Conditions:
Autism spectrum disorder - epilepsy - arthrogryposis syndrome (AMRS). Identifiers: Orphanet 370943, MedGen C3809910, MONDO:0014248, OMIM 615553.

Allele frequency attached by ClinVar (database versions not stated): gnomAD exomes 0.00001.

Submission:

Labcorp Genetics (formerly Invitae), Labcorp
Classification: Likely pathogenic for Autism spectrum disorder - epilepsy - arthrogryposis syndrome. Last evaluated: 2023-06-14. Review status: criteria provided, single submitter. Criteria: Invitae Variant Classification Sherloc (09022015). Collection method: clinical testing. Allele origin: germline.
Comment: Algorithms developed to predict the effect of sequence changes on RNA splicing suggest that this variant may disrupt the consensus splice site. In summary, the currently available evidence indicates that the variant is pathogenic, but additional data are needed to prove that conclusively. Therefore, this variant has been classified as Likely Pathogenic. This variant has not been reported in the literature in individuals affected with SLC35A3-related conditions. This sequence change affects an acceptor splice site in intron 5 of the SLC35A3 gene. It is expected to disrupt RNA splicing. Variants that disrupt the donor or acceptor splice site typically lead to a loss of protein function (PMID: 16199547), and loss-of-function variants in SLC35A3 are known to be pathogenic (PMID: 24031089, 28328131). The frequency data for this variant in the population databases is considered unreliable, as metrics indicate poor data quality at this position in the gnomAD database.

Literature cited by the submitters: PubMed 16199547; PubMed 24031089; PubMed 28328131.

NM_012243.3(SLC35A3):c.635-2A>T

Gene: SLC35A3 (solute carrier family 35 member A3; plus strand). Cytogenetic location: 1p21.2.
Variant type: single nucleotide variant.
Coding change: c.635-2A>T on transcript NM_012243.3 (MANE Select); the canonical splice acceptor site of the intron before coding-DNA position 635, A replaced by T.
Molecular consequence: splice acceptor variant. On other transcripts: intron variant (1).
Genome position (GRCh38, 1-based): chr1:100,015,300, A>T. VCF-style: chr1-100015300-A-T. GRCh37 (hg19) VCF-style: chr1-100480856-A-T.
Other names: c.634+3767A>T (NM_001271684.2); c.761-2A>T (NM_001271685.2).
Identifiers: ClinVar variation 2795343 (VCV002795343.3), dbSNP rs1373513306, ClinGen allele CA341315362.